The following is an entry in ClinVar:

NM_006755.2(TALDO1):c.727G>A (p.Glu243Lys)

Gene: TALDO1 (transaldolase 1; plus strand). Cytogenetic location: 11p15.5.
Variant type: single nucleotide variant.
Coding change: c.727G>A on transcript NM_006755.2 (MANE Select); coding-DNA position 727, G replaced by A.
Protein change: p.Glu243Lys; replaces glutamic acid 243 with lysine.
Molecular consequence: missense variant.
Genome position (GRCh38, 1-based): chr11:763,836, G>A. VCF-style: chr11-763836-G-A. GRCh37 (hg19) VCF-style: chr11-763836-G-A.
Other names: short protein forms E243K.
Identifiers: ClinVar variation 1911875 (VCV001911875.5), dbSNP rs1315654562, ClinGen allele CA378937047.

ClinVar aggregate classification (germline): Uncertain significance (1 of 4 stars; one submission).

Allele frequency attached by ClinVar (database versions not stated): gnomAD exomes 0.00001; TOPMed 0.00002.
gnomAD v4.1: 9 of 1,614,032 alleles (0.00056%); highest among the groups gnomAD compares: Non-Finnish European, 0.00076%; no homozygotes.

Submission:

Labcorp Genetics (formerly Invitae), Labcorp
Classification: Uncertain significance. Last evaluated: 2022-04-07. Review status: criteria provided, single submitter. Criteria: Invitae Variant Classification Sherloc (09022015). Collection method: clinical testing. Allele origin: germline.
Comment: In summary, the available evidence is currently insufficient to determine the role of this variant in disease. Therefore, it has been classified as a Variant of Uncertain Significance. Algorithms developed to predict the effect of missense changes on protein structure and function are either unavailable or do not agree on the potential impact of this missense change (SIFT: "Deleterious"; PolyPhen-2: "Probably Damaging"; Align-GVGD: "Class C15"). This variant has not been reported in the literature in individuals affected with TALDO1-related conditions. This variant is present in population databases (no rsID available, gnomAD 0.0009%). This sequence change replaces glutamic acid, which is acidic and polar, with lysine, which is basic and polar, at codon 243 of the TALDO1 protein (p.Glu243Lys).